The following is an entry in ClinVar:

ClinVar aggregate classification (germline): Uncertain significance (1 of 4 stars; one submission).

Conditions:
Combined immunodeficiency due to DOCK8 deficiency (HIES2). Also called: Hyper-IgE recurrent infection syndrome, autosomal recessive; HYPER-IgE RECURRENT INFECTION SYNDROME 2, AUTOSOMAL RECESSIVE; HIES autosomal recessive; HYPER-IgE SYNDROME 2, AUTOSOMAL RECESSIVE, WITH RECURRENT INFECTIONS; DOCK8 Deficiency. Identifiers: Orphanet 217390, MedGen C4722305, MONDO:0009478, OMIM 243700.

Submission:

Labcorp Genetics (formerly Invitae), Labcorp
Classification: Uncertain significance for Combined immunodeficiency due to DOCK8 deficiency. Last evaluated: 2024-12-31. Review status: criteria provided, single submitter. Criteria: Invitae Variant Classification Sherloc (09022015). Collection method: clinical testing. Allele origin: germline.
Comment: This sequence change replaces phenylalanine, which is neutral and non-polar, with leucine, which is neutral and non-polar, at codon 334 of the DOCK8 protein (p.Phe334Leu). This variant is not present in population databases (gnomAD no frequency). This variant has not been reported in the literature in individuals affected with DOCK8-related conditions. Invitae Evidence Modeling of protein sequence and biophysical properties (such as structural, functional, and spatial information, amino acid conservation, physicochemical variation, residue mobility, and thermodynamic stability) indicates that this missense variant is expected to disrupt DOCK8 protein function with a positive predictive value of 80%. In summary, the available evidence is currently insufficient to determine the role of this variant in disease. Therefore, it has been classified as a Variant of Uncertain Significance.

NM_203447.4(DOCK8):c.1002C>A (p.Phe334Leu)

Gene: DOCK8 (dedicator of cytokinesis 8; plus strand). Cytogenetic location: 9p24.3.
Variant type: single nucleotide variant.
Coding change: c.1002C>A on transcript NM_203447.4 (MANE Select); coding-DNA position 1002, C replaced by A.
Protein change: p.Phe334Leu; replaces phenylalanine 334 with leucine.
Molecular consequence: missense variant.
Genome position (GRCh38, 1-based): chr9:328,129, C>A. VCF-style: chr9-328129-C-A. GRCh37 (hg19) VCF-style: chr9-328129-C-A.
Other names: c.798C>A, p.Phe266Leu (NM_001190458.2, NM_001193536.2); short protein forms F266L, F334L.
Identifiers: ClinVar variation 3674873 (VCV003674873.2).
Genomic context (GRCh38, chr9:328,129, plus strand): 5'-ATTTCTGCGAGCTCACACGCCTTCAGTGGCCGCATCAAGTCAGGCGAGATCTGCAGTCTT[C>A]TCAGTCACCTACCCGTCCTCAGACATCTACCTGGTAGTCAAGGTAATTCAGTACGATCTG-3'
Protein context (NP_982272.2, residues 324-344): AASSQARSAV[Phe334Leu]SVTYPSSDIY